The following is an entry in ClinVar:

NM_014991.6(WDFY3):c.4935T>G (p.Ile1645Met)

Gene: WDFY3 (WD repeat and FYVE domain containing 3; minus strand). Cytogenetic location: 4q21.23.
Variant type: single nucleotide variant.
Coding change: c.4935T>G on transcript NM_014991.6 (MANE Select); coding-DNA position 4935, T replaced by G.
Protein change: p.Ile1645Met; replaces isoleucine 1645 with methionine.
Molecular consequence: missense variant.
Genome position (GRCh38, 1-based): chr4:84,766,287, A>C on the plus strand (T>G on the coding strand, the complement: WDFY3 is on the minus strand). VCF-style: chr4-84766287-A-C. GRCh37 (hg19) VCF-style: chr4-85687440-A-C.
Other names: short protein forms I1645M.
Identifiers: ClinVar variation 5009137 (VCV005009137.1).

ClinVar aggregate classification (germline): Uncertain significance (1 of 4 stars; one submission).

gnomAD v4.1: 1 of 1,596,412 alleles (0.000063%); highest among the groups gnomAD compares: African/African-American, 0.0013%; no homozygotes.

Submission:

GeneDx
Classification: Uncertain significance. Last evaluated: 2026-03-17. Review status: criteria provided, single submitter. Criteria: GeneDx Variant Classification Process June 2021. Collection method: clinical testing. Allele origin: germline.
Comment: Not observed at significant frequency in large population cohorts (gnomAD); In silico analysis suggests that this missense variant does not alter protein structure/function; Has not been previously published as pathogenic or benign to our knowledge